The following is an entry in ClinVar:

NM_025114.4(CEP290):c.6447del (p.Glu2149fs)

Gene: CEP290 (centrosomal protein 290; minus strand). Cytogenetic location: 12q21.32.
Variant type: Deletion.
Coding change: c.6447del on transcript NM_025114.4 (MANE Select); coding-DNA position 6447, one base deleted (A; older notation c.6447delA).
Protein change: p.Glu2149fs; shifts the reading frame from glutamic acid 2149.
Molecular consequence: frameshift variant.
Genome position (GRCh38, 1-based): chr12:88,060,905, T deleted on the plus strand (A on the coding strand, the reverse complement: CEP290 is on the minus strand); the first of 2 consecutive T bases (chr12:88,060,905-88,060,906); deleting either gives the same sequence. VCF-style (leftmost placement, unchanged base first): chr12-88060904-GT-G. GRCh37 (hg19) VCF-style: chr12-88454681-GT-G.
Other names: short protein forms E2149fs.
Identifiers: ClinVar variation 631691 (VCV000631691.10), dbSNP rs1157238971, ClinGen allele CA606675634.
Genomic context (GRCh38, chr12:88,060,904, plus strand): 5'-TTTCCTGCTCAATATTAGCCATTTTTTCACTAGTCAATATTCCTGATGCTTTTTTCAACT[GT>G]TCATTTTCTCTCTGGACTTTTTCAACTACTTTTTTCATTAAACCAATGGTTTTTTCCAGT-3'

ClinVar aggregate classification (germline): Pathogenic/Likely pathogenic. Review status: criteria provided, multiple submitters, no conflicts (2 of 4 stars). 4 submissions from 4 submitters: Pathogenic (2); Likely pathogenic (2). Last evaluated 2026-03-02.

Conditions:
CEP290-related ciliopathy. Also called: CEP290 ciliopathy. Identifiers: MedGen CN305601, MONDO:0100451.
Meckel-Gruber syndrome. Also called: DYSENCEPHALIA SPLANCHNOCYSTICA; GRUBER SYNDROME; Dysencephalia splachnocystica. Identifiers: Orphanet 564, MedGen C0265215, MONDO:0018921.
Joubert syndrome. Also called: JOUBERT-BOLTSHAUSER SYNDROME; Familial aplasia of the vermis. Identifiers: Orphanet 475, MedGen C5979921, MONDO:0018772.
Nephronophthisis. Also called: Juvenile Nephronophthisis. Identifiers: Orphanet 655, MedGen C0687120, MONDO:0019005, HP:0000090.
Leber congenital amaurosis (LCA). Also called: Leber's amaurosis. Identifiers: Orphanet 65, MedGen C0339527, MeSH D057130, MONDO:0018998.
CEP290-related disorder. Also called: CEP290-related condition; CEP290-related disorders. Identifiers: MedGen CN239314.

Submissions (4):

Myriad Genetics, Inc.
Classification: Pathogenic for CEP290-related ciliopathy. Last evaluated: 2026-03-02. Review status: criteria provided, single submitter. Criteria: Myriad Autosomal Dominant, Autosomal Recessive and X-Linked Classification Criteria (2023). Collection method: clinical testing. Allele origin: unknown.
Comment: NM_025114.3(CEP290):c.6447delA(E2149Dfs*3) is expected to be pathogenic in the context of CEP290-related disorders. This variant is predicted to lead to an abnormal or absent protein product due to the creation of a premature termination codon in CEP290, a gene where loss-of-function variants are known to be pathogenic. Please note: this variant was assessed in the context of healthy population screening.

Labcorp Genetics (formerly Invitae), Labcorp
Classification: Pathogenic for Joubert syndrome; Meckel-Gruber syndrome; Nephronophthisis. Last evaluated: 2025-02-10. Review status: criteria provided, single submitter. Criteria: Invitae Variant Classification Sherloc (09022015). Collection method: clinical testing. Allele origin: germline.
Comment: This sequence change creates a premature translational stop signal (p.Glu2149Aspfs*3) in the CEP290 gene. It is expected to result in an absent or disrupted protein product. Loss-of-function variants in CEP290 are known to be pathogenic (PMID: 16909394, 17345604, 20690115). This variant is present in population databases (no rsID available, gnomAD no frequency). This variant has not been reported in the literature in individuals affected with CEP290-related conditions. ClinVar contains an entry for this variant (Variation ID: 631691). Algorithms developed to predict the effect of sequence changes on RNA splicing suggest that this variant may disrupt the consensus splice site. For these reasons, this variant has been classified as Pathogenic.

Natera, Inc.
Classification: Likely pathogenic for Leber congenital amaurosis. Last evaluated: 2024-11-18. Review status: criteria provided, single submitter. Criteria: Natera Variant Classification Schema (03/2026). Collection method: clinical testing. Allele origin: germline.
Comment: The c.6447delA variant in CEP290 is a frameshift variant predicted to shift the reading frame beginning at codon 2149 and leads to a stop codon 3 codons downstream. This variant is expected to result in nonsense mediated decay, truncation, or a dysfunctional protein product. This variant is rare in the general population with a frequency below the threshold expected for the associated phenotype(s). Given the available evidence, this variant is classified as Likely Pathogenic.

Women's Health and Genetics/Laboratory Corporation of America, LabCorp
Classification: Likely pathogenic for CEP290-related disorder. Last evaluated: 2022-04-11. Review status: criteria provided, single submitter. Criteria: LabCorp Variant Classification Summary - May 2015. Collection method: clinical testing. Allele origin: germline.
Comment: Variant summary: CEP290 c.6447delA (p.Glu2149AspfsX3) results in a premature termination codon, predicted to cause a truncation of the encoded protein or absence of the protein due to nonsense mediated decay, which are commonly known mechanisms for disease. Truncations downstream of this position have been reported in HGMD in association with Leber congenital amaurosis, Retinitis pigmentosa and Joubert syndrome, and have been reported as pathogenic in ClinVar. The variant was absent in 163974 control chromosomes. To our knowledge, no occurrence of c.6447delA in individuals affected with CEP290-Related Disorders and no experimental evidence demonstrating its impact on protein function have been reported. One clinical diagnostic laboratory has submitted clinical-significance assessments for this variant to ClinVar after 2014 without evidence for independent evaluation. One laboratory classified the variant as uncertain significance. Based on the evidence outlined above, the variant was classified as likely pathogenic.

Literature cited by the submitters: PubMed 16909394 (cited by Labcorp Genetics (formerly Invitae), Labcorp); PubMed 17345604 (cited by Labcorp Genetics (formerly Invitae), Labcorp); PubMed 20690115 (cited by Labcorp Genetics (formerly Invitae), Labcorp).